The following is an entry in ClinVar:

ClinVar aggregate classification (germline): Pathogenic. Review status: criteria provided, multiple submitters, no conflicts (2 of 4 stars). 2 submissions from 2 submitters: Pathogenic (2). Last evaluated 2020-12-17.

Conditions:
Neurofibromatosis, type 1 (NF1). Also called: VON RECKLINGHAUSEN DISEASE; NEUROFIBROMATOSIS, TYPE I, SOMATIC; Neurofibromatosis, type I; Peripheral type neurofibromatosis. Identifiers: Orphanet 636, MedGen C0027831, MONDO:0018975, OMIM 162200. Disease mechanism: loss of function.
Cardiovascular phenotype. Identifiers: MedGen CN230736.
Hereditary cancer-predisposing syndrome. Also called: Hereditary neoplastic syndrome; Tumor predisposition; Hereditary Cancer Syndrome; Neoplastic Syndromes, Hereditary. Identifiers: Orphanet 140162, MedGen C0027672, MeSH D009386, MONDO:0015356.

Submissions (2):

Labcorp Genetics (formerly Invitae), Labcorp
Classification: Pathogenic for Neurofibromatosis, type 1. Last evaluated: 2020-12-17. Review status: criteria provided, single submitter. Criteria: Invitae Variant Classification Sherloc (09022015). Collection method: clinical testing. Allele origin: germline.
Comment: For these reasons, this variant has been classified as Pathogenic. This variant has not been reported in the literature in individuals with NF1-related conditions. This variant is not present in population databases (ExAC no frequency). This sequence change creates a premature translational stop signal (p.Glu1088*) in the NF1 gene. It is expected to result in an absent or disrupted protein product. Loss-of-function variants in NF1 are known to be pathogenic (PMID: 10712197, 23913538).

Ambry Genetics
Classification: Pathogenic for Cardiovascular phenotype; Hereditary cancer-predisposing syndrome. Last evaluated: 2019-10-26. Review status: criteria provided, single submitter. Criteria: Ambry Variant Classification Scheme 2023. Collection method: clinical testing. Allele origin: germline.
Comment: The p.E1088* pathogenic mutation (also known as c.3262G>T), located in coding exon 25 of the NF1 gene, results from a G to T substitution at nucleotide position 3262. This changes the amino acid from a glutamic acid to a stop codon within coding exon 25. This alteration is expected to result in loss of function by premature protein truncation or nonsense-mediated mRNA decay. As such, this alteration is interpreted as a disease-causing mutation.

Literature cited by the submitters: PubMed 10712197 (cited by Labcorp Genetics (formerly Invitae), Labcorp); PubMed 23913538 (cited by Labcorp Genetics (formerly Invitae), Labcorp).

NM_001042492.3(NF1):c.3262G>T (p.Glu1088Ter)

Gene: NF1 (neurofibromin 1; plus strand). Cytogenetic location: 17q11.2.
Variant type: single nucleotide variant.
Coding change: c.3262G>T on transcript NM_001042492.3 (MANE Select); coding-DNA position 3262, G replaced by T.
Protein change: p.Glu1088Ter; replaces glutamic acid 1088 with a stop codon.
Molecular consequence: nonsense.
Genome position (GRCh38, 1-based): chr17:31,232,137, G>T. VCF-style: chr17-31232137-G-T. GRCh37 (hg19) VCF-style: chr17-29559155-G-T.
Other names: c.3262G>T, p.Glu1088Ter (NM_000267.4); short protein forms E1088*.
Identifiers: ClinVar variation 1421828 (VCV001421828.8), dbSNP rs2151433803, ClinGen allele CA398988822.
Genomic context (GRCh38, chr17:31,232,137, plus strand): 5'-TTGGACCAGGCAAGCATGGAAGCAGTAGTTTCACTTCTAGCTGGTCTCCCTCTGCAGCCT[G>T]AAGAAGGAGATGGTGTGGAATTGATGGAAGCCAAATCACAGTTATTTCTTAAGTAAATTT-3'